The following is an entry in ClinVar:

NM_000548.5(TSC2):c.691_692dup (p.Pro232fs)

Gene: TSC2 (TSC complex subunit 2; plus strand). Cytogenetic location: 16p13.3.
Variant type: Duplication.
Coding change: c.691_692dup on transcript NM_000548.5 (MANE Select); coding-DNA positions 691 to 692, 2 bases duplicated (CT; older notation c.691_692dupCT).
Protein change: p.Pro232fs; shifts the reading frame from proline 232.
Molecular consequence: frameshift variant.
Genome position (GRCh38, 1-based): chr16:2,056,686-2,056,687, CT duplicated. VCF-style (leftmost placement, unchanged base first): chr16-2056685-C-CCT. GRCh37 (hg19) VCF-style: chr16-2106686-C-CCT.
Other names: c.691_692dup, p.Pro232fs (NM_001077183.3, NM_001114382.3, NM_001363528.2 and 3 more transcripts); c.580_581dup, p.Pro195fs (NM_001318827.2); c.544_545dup, p.Pro183fs (NM_001318829.2); c.91_92dup, p.Pro32fs (NM_001318831.2); c.724_725dup, p.Pro243fs (NM_001318832.2); short protein forms P243fs, P32fs, P183fs, P232fs, P195fs.
Identifiers: ClinVar variation 1452665 (VCV001452665.6), dbSNP rs2151078913, ClinGen allele CA2573151818.

ClinVar aggregate classification (germline): Pathogenic (1 of 4 stars; one submission).

Conditions:
Tuberous sclerosis 2 (TSC2). Identifiers: Orphanet 805, MedGen C1860707, MONDO:0013199, OMIM 613254.

Submission:

Labcorp Genetics (formerly Invitae), Labcorp
Classification: Pathogenic for Tuberous sclerosis 2. Last evaluated: 2021-06-05. Review status: criteria provided, single submitter. Criteria: Invitae Variant Classification Sherloc (09022015). Collection method: clinical testing. Allele origin: germline.
Comment: This sequence change creates a premature translational stop signal (p.Pro232Cysfs*29) in the TSC2 gene. It is expected to result in an absent or disrupted protein product. Loss-of-function variants in TSC2 are known to be pathogenic (PMID: 10205261, 17304050). This variant is not present in population databases (ExAC no frequency). This variant has not been reported in the literature in individuals with TSC2-related conditions. For these reasons, this variant has been classified as Pathogenic.

Literature cited by the submitters: PubMed 10205261; PubMed 17304050.